The following is an entry in ClinVar:

NM_000539.3(RHO):c.491C>T (p.Ala164Val)

Gene: RHO (rhodopsin; plus strand). Cytogenetic location: 3q22.1.
Variant type: single nucleotide variant.
Coding change: c.491C>T on transcript NM_000539.3 (MANE Select); coding-DNA position 491, C replaced by T.
Protein change: p.Ala164Val; replaces alanine 164 with valine.
Molecular consequence: missense variant.
Genome position (GRCh38, 1-based): chr3:129,531,005, C>T. VCF-style: chr3-129531005-C-T. GRCh37 (hg19) VCF-style: chr3-129249848-C-T.
Other names: short protein forms A164V.
Identifiers: ClinVar variation 417867 (VCV000417867.17), dbSNP rs104893793, ClinGen allele CA16616904.

ClinVar aggregate classification (germline): Pathogenic/Likely pathogenic. Review status: criteria provided, multiple submitters, no conflicts (2 of 4 stars). 9 submissions from 8 submitters: Pathogenic (4); Likely pathogenic (2). 3 of the submissions do not count toward it. Last evaluated 2026-09-15.

Conditions:
RHO-related disorder. Also called: RHO-related condition.
Retinal dystrophy. Also called: Inherited retinal dystrophy. Identifiers: Orphanet 71862, MedGen C0854723, MeSH D058499, MONDO:0019118, HP:0000556.
Retinitis pigmentosa (RP). Identifiers: Orphanet 791, MedGen C0035334, MeSH D012174, MONDO:0019200, OMIM 268000. Inheritance: Autosomal dominant, autosomal recessive and X linked inheritance.
Retinitis pigmentosa 4 (RP4). Also called: RETINITIS PIGMENTOSA, RHODOPSIN-RELATED. Identifiers: Orphanet 791, MedGen C3151001, MONDO:0013395, OMIM 613731.
Congenital stationary night blindness autosomal dominant 1. Also called: NIGHT BLINDNESS, CONGENITAL STATIONARY, RHODOPSIN-RELATED. Identifiers: Orphanet 215, MedGen C1864869, MONDO:0012498, OMIM 610445.
Cone-rod dystrophy. Also called: Cone/cone-rod dystrophy; Cone-rod degeneration. Identifiers: Orphanet 1872, MedGen C4085590, MONDO:0015993, HP:0000548.

Allele frequency attached by ClinVar (database versions not stated): gnomAD exomes below 0.00001 and 0.00001; gnomAD 0.00002; TOPMed 0.00002.

Submissions (9):

PreventionGenetics, part of Exact Sciences
Classification: Pathogenic for RHO-related condition. Last evaluated: 2026-09-15. Review status: criteria provided, single submitter. Criteria: ACMG Guidelines, 2015. Collection method: clinical testing. Allele origin: germline.
Comment: The RHO c.491C>T variant is predicted to result in the amino acid substitution p.Ala164Val. This variant has been reported many times in individuals with autosomal dominant retinitis pigmentosa (see for examples: Fuchs et al. 1994. PubMed ID: 7981701; Sohocki et al. 2001. PubMed ID: 11139241; Table S1, Karali et al. 2022. PubMed ID: 36460718). An alternate substitution of this amino acid residue (p.Ala164Glu) has also been reported in individuals with autosomal dominant retinitis pigmentosa (Martin-Merida et al. 2018. PubMed ID: 29847639). This variant is present in 0.0029% of alleles in individuals of Latino descent in gnomAD. This variant is interpreted as pathogenic.

Labcorp Genetics (formerly Invitae), Labcorp
Classification: Pathogenic. Last evaluated: 2025-10-18. Review status: criteria provided, single submitter. Criteria: Invitae Variant Classification Sherloc (09022015). Collection method: clinical testing. Allele origin: germline.
Comment: This sequence change replaces alanine, which is neutral and non-polar, with valine, which is neutral and non-polar, at codon 164 of the RHO protein (p.Ala164Val). This variant is present in population databases (rs104893793, gnomAD 0.003%). This missense change has been observed in individuals with autosomal dominant retinitis pigmentosa (PMID: 7981701, 11139241, 17488458). ClinVar contains an entry for this variant (Variation ID: 417867). Invitae Evidence Modeling of protein sequence and biophysical properties (such as structural, functional, and spatial information, amino acid conservation, physicochemical variation, residue mobility, and thermodynamic stability) indicates that this missense variant is expected to disrupt RHO protein function with a positive predictive value of 95%. Experimental studies have shown that this missense change affects RHO function (PMID: 9380676, 19913029, 30240733). This variant disrupts the p.Ala164 amino acid residue in RHO. Other variant(s) that disrupt this residue have been determined to be pathogenic (PMID: 8088850, 29847639). This suggests that this residue is clinically significant, and that variants that disrupt this residue are likely to be disease-causing. For these reasons, this variant has been classified as Pathogenic.

Revvity Omics, Revvity
Classification: Pathogenic. Last evaluated: 2025-04-18. Review status: criteria provided, single submitter. Criteria: ACMG Guidelines, 2015. Collection method: clinical testing. Allele origin: germline.

Blueprint Genetics
Classification: Pathogenic for RHO-related disorders. Last evaluated: 2024-07-05. Review status: criteria provided, single submitter. Criteria: ACMG Guidelines, 2015. Collection method: clinical testing. Allele origin: germline. Affected: yes. Observed: 5 variant alleles.

Dept Of Ophthalmology, Nagoya University
Classification: Likely pathogenic for Retinal dystrophy. Last evaluated: 2023-10-01. Review status: criteria provided, single submitter. Criteria: Submitter's publication. Collection method: research. Allele origin: germline. Affected: yes.

Centre for Genomic Medicine, Manchester, Central Manchester University Hospitals
Classification: Likely pathogenic for Retinitis pigmentosa 4. Last evaluated: 2020-09-01. Review status: criteria provided, single submitter. Criteria: ACMG Guidelines, 2015. Collection method: clinical testing. Allele origin: germline. Affected: yes. Observed: 3 heterozygotes.

Department of Clinical Genetics, Copenhagen University Hospital, Rigshospitalet
Classification: Pathogenic for Retinitis pigmentosa. Last evaluated: 2018-04-01. Review status: no assertion criteria provided. Collection method: research. Allele origin: unknown. Affected: yes. Study: VeluxRD. Not counted in ClinVar's aggregate classification.

Department of Clinical Genetics, Copenhagen University Hospital, Rigshospitalet
Classification: Pathogenic for Cone-rod dystrophy. Last evaluated: 2018-04-01. Review status: no assertion criteria provided. Collection method: research. Allele origin: unknown. Affected: yes. Study: VeluxRD. Not counted in ClinVar's aggregate classification.

Division of Human Genetics, Children's Hospital of Philadelphia
Classification: Pathogenic for Congenital stationary night blindness autosomal dominant 1. Last evaluated: 2015-09-30. Review status: no assertion criteria provided. Collection method: research. Allele origin: maternal. Study: CSER-PediSeq. Not counted in ClinVar's aggregate classification.

Literature cited by the submitters: PubMed 7981701 (cited by Labcorp Genetics (formerly Invitae), Labcorp and Division of Human Genetics, Children's Hospital of Philadelphia); PubMed 11139241 (cited by Labcorp Genetics (formerly Invitae), Labcorp); PubMed 17488458 (cited by Labcorp Genetics (formerly Invitae), Labcorp and Division of Human Genetics, Children's Hospital of Philadelphia); PubMed 9380676 (cited by Labcorp Genetics (formerly Invitae), Labcorp and Division of Human Genetics, Children's Hospital of Philadelphia); PubMed 19913029 (cited by Labcorp Genetics (formerly Invitae), Labcorp); PubMed 30240733 (cited by Labcorp Genetics (formerly Invitae), Labcorp); PubMed 8088850 (cited by Labcorp Genetics (formerly Invitae), Labcorp and Division of Human Genetics, Children's Hospital of Philadelphia); PubMed 29847639 (cited by Labcorp Genetics (formerly Invitae), Labcorp); PubMed 30718709 (cited by Department of Clinical Genetics, Copenhagen University Hospital, Rigshospitalet); PubMed 21094163 (cited by Division of Human Genetics, Children's Hospital of Philadelphia); PubMed 21219898 (cited by Division of Human Genetics, Children's Hospital of Philadelphia); PubMed 12871954 (cited by Division of Human Genetics, Children's Hospital of Philadelphia).